The following is an entry in ClinVar:

ClinVar aggregate classification (germline): Pathogenic/Likely pathogenic. Review status: criteria provided, multiple submitters, no conflicts (2 of 4 stars). 8 submissions from 8 submitters: Pathogenic (5); Likely pathogenic (1). 2 of the submissions do not count toward it. Last evaluated 2026-02-10.

Conditions:
Hereditary breast ovarian cancer syndrome. Also called: Breast and ovarian cancer; Hereditary breast and ovarian cancer; Hereditary breast and ovarian cancer syndrome; BRCA1- and BRCA2-Associated Hereditary Breast and Ovarian Cancer; Hereditary breast and ovarian cancer syndrome (HBOC); Hereditary breast and/or ovarian cancer syndrome. Identifiers: Orphanet 145, MedGen C0677776, MeSH D061325, MONDO:0003582. Disease mechanism: loss of function.
Malignant tumor of breast. Also called: Malignant breast neoplasm; Cancer breast. Identifiers: MedGen C0006142, MONDO:0007254. Disease mechanism: loss of function.
Hereditary cancer-predisposing syndrome. Also called: Tumor predisposition; Hereditary Cancer Syndrome; Neoplastic Syndromes, Hereditary; Hereditary neoplastic syndrome. Identifiers: Orphanet 140162, MedGen C0027672, MeSH D009386, MONDO:0015356.
Familial cancer of breast. Also called: BREAST CANCER, FAMILIAL; hereditary breast carcinoma; Hereditary breast cancer. Identifiers: Orphanet 227535, MedGen C0346153, MONDO:0016419, OMIM 114480. Disease mechanism: loss of function.
Breast-ovarian cancer, familial, susceptibility to, 2 (BROVCA2). Also called: BRCA2 Hereditary Breast and Ovarian Cancer. Identifiers: Orphanet 145, MedGen C2675520, MONDO:0012933, OMIM 612555. Disease mechanism: loss of function.

Allele frequency attached by ClinVar (database versions not stated): gnomAD below 0.00001 and 0.00001; gnomAD exomes below 0.00001.
gnomAD v4.1: 3 of 1,607,684 alleles (0.00019%); highest among the groups gnomAD compares: South Asian, 0.0033%; no homozygotes.

Submissions (8):

GeneDx
Classification: Pathogenic. Last evaluated: 2026-02-10. Review status: criteria provided, single submitter. Criteria: GeneDx Variant Classification Process June 2021. Collection method: clinical testing. Allele origin: germline. Affected: yes.
Comment: Canonical splice site variant predicted to result in a null allele in a gene for which loss of function is a known mechanism of disease; Not observed at significant frequency in large population cohorts (gnomAD); Also known as 654-2A>G; This variant is associated with the following publications: (PMID: 29805665, 28726806, 29446198, 31528241, 35710434)

Ambry Genetics
Classification: Likely pathogenic for Hereditary cancer-predisposing syndrome. Last evaluated: 2025-11-10. Review status: criteria provided, single submitter. Criteria: Ambry Variant Classification Scheme 2023. Collection method: clinical testing. Allele origin: germline.
Comment: The c.426-2A>G intronic variant results from an A to G substitution two nucleotides upstream from coding exon 4 in the BRCA2 gene. This variant has been reported in individuals with suspected hereditary breast and ovarian cancer (Rashid M et al. Hered Cancer Clin Pract 2019 Sep;17:27; Rebbeck T et al. Hum Mutat 2018 05;39(5):593-620). Of note, this variant is also designated as IVS4-2A>G in published literature. This variant is considered to be rare based on population cohorts in the Genome Aggregation Database (gnomAD). This nucleotide position is highly conserved in available vertebrate species. In silico splice site analysis predicts that this alteration will weaken the native splice acceptor site and RNA studies have demonstrated that this alteration results in abnormal splicing in the set of samples tested (Liang Z et al. Med Sci Monit 2020 Jun;26:e923926; Ambry internal data). Alterations that disrupt the canonical splice site are expected to cause aberrant splicing, resulting in an abnormal protein or a transcript that is subject to nonsense-mediated mRNA decay. Based on the majority of available evidence to date, this variant is likely to be pathogenic.

Labcorp Genetics (formerly Invitae), Labcorp
Classification: Pathogenic for Hereditary breast ovarian cancer syndrome. Last evaluated: 2025-08-25. Review status: criteria provided, single submitter. Criteria: Invitae Variant Classification Sherloc (09022015). Collection method: clinical testing. Allele origin: germline.
Comment: This sequence change affects an acceptor splice site in intron 4 of the BRCA2 gene. RNA analysis indicates that disruption of this splice site induces altered splicing and may result in an absent or altered protein product. This variant is not present in population databases (gnomAD no frequency). Disruption of this splice site has been observed in individual(s) with high risk of breast and/or ovarian cancer (PMID: 29446198, 31528241). ClinVar contains an entry for this variant (Variation ID: 91817). Studies have shown that disruption of this splice site results in skipping of exon 5, and produces a non-functional protein and/or introduces a premature termination codon (PMID: 22505045, 30883759; internal data). For these reasons, this variant has been classified as Pathogenic.

Baylor Genetics
Classification: Pathogenic for Familial cancer of breast. Last evaluated: 2021-01-14. Review status: criteria provided, single submitter. Criteria: ACMG Guidelines, 2015. Collection method: clinical testing. Allele origin: unknown.

Consortium of Investigators of Modifiers of BRCA1/2 (CIMBA), c/o University of Cambridge
Classification: Pathogenic for Breast-ovarian cancer, familial, susceptibility to, 2. Last evaluated: 2015-10-02. Review status: criteria provided, single submitter. Criteria: CIMBA Mutation Classification guidelines May 2016. Collection method: clinical testing. Allele origin: germline.

Neuberg Centre For Genomic Medicine, NCGM
Classification: Pathogenic for Breast-ovarian cancer, familial, susceptibility to, 2. Review status: criteria provided, single submitter. Criteria: ACMG Guidelines, 2015. Collection method: clinical testing. Allele origin: germline. Inheritance: Autosomal dominant inheritance. Affected: yes.
Comment: The splice acceptor c.426-2A>G variant has been reported previously in individuals affected with breast cancer Rebbeck et al., 2018; Rashid et al., 2019. The variant is novel not in any individuals in gnomAD Exomes and 1000 Genomes. The variant affects the AG acceptor splice site upstream to exon 5. It is submitted to ClinVar with varying interpretations as Likely Pathogenic/Pathogenic Multiple submissions. This variant is predicted to cause a loss of normal protein function through protein truncation. Loss of function variants has been previously reported to be disease causing. For these reasons, this variant has been classified as Pathogenic.

Sharing Clinical Reports Project (SCRP)
Classification: Pathogenic for Breast-ovarian cancer, familial 2. Last evaluated: 2008-04-28. Review status: no assertion criteria provided. Collection method: clinical testing. Allele origin: germline. Not counted in ClinVar's aggregate classification.

Department of Pathology and Laboratory Medicine, Sinai Health System
Classification: Pathogenic for Malignant tumor of breast. Review status: no assertion criteria provided. Collection method: clinical testing. Allele origin: unknown. Affected: yes. Study: The Canadian Open Genetics Repository (COGR). Not counted in ClinVar's aggregate classification.
Comment: The BRCA2 c.426-2A>G variant was not identified in the literature nor was it identified in the LOVD 3.0, UMD-LSDB, BIC Database, ARUP Laboratories, Zhejiang Colon Cancer Database, databases. The variant was identified in the following databases: dbSNP (ID: rs398122779) as With Pathogenic allele, ClinVar (classified as pathogenic by GeneDx, SCRP), Clinvitae (classified as pathogenic by Clinvar), COGR (classified as pathogenic by a clinical laboratory). The variant was identified in control databases in 2 of 244660 chromosomes at a frequency of 0.000008 (Genome Aggregation Consortium Feb 27, 2017). The c.426-2A>G variant is located in the 3' splice region but does not affect the invariant -1 and -2 positions. However, positions -3 and -5 to -12 are part of the splicing consensus sequence and variants involving these positions sometimes affect splicing. In addition, 4 of 5 in silico or computational prediction software programs (SpliceSiteFinder, MaxEntScan, NNSPLICE, GeneSplicer, HumanSpliceFinder) predict a greater than 10% difference in splicing. In summary, based on the above information, this variant meets our laboratoryâ€šÃ„Ã´s criteria to be classified as pathogenic.

Literature cited by the submitters: PubMed 32579544 (cited by Ambry Genetics); PubMed 29446198 (cited by Labcorp Genetics (formerly Invitae), Labcorp); PubMed 31528241 (cited by Labcorp Genetics (formerly Invitae), Labcorp); PubMed 22505045 (cited by Labcorp Genetics (formerly Invitae), Labcorp); PubMed 30883759 (cited by Labcorp Genetics (formerly Invitae), Labcorp).

NM_000059.4(BRCA2):c.426-2A>G

Gene: BRCA2 (BRCA2 DNA repair associated; plus strand). Cytogenetic location: 13q13.1.
Variant type: single nucleotide variant.
Coding change: c.426-2A>G on transcript NM_000059.4 (MANE Select); the canonical splice acceptor site of the intron before coding-DNA position 426, A replaced by G.
Molecular consequence: splice acceptor variant.
Genome position (GRCh38, 1-based): chr13:32,326,099, A>G. VCF-style: chr13-32326099-A-G. GRCh37 (hg19) VCF-style: chr13-32900236-A-G.
Other names: IVS4-2A>G; c.426-2A>G (NM_001406720.1, NM_001406719.1, NM_001406721.1); c.57-2A>G (NM_001406722.1).
Identifiers: ClinVar variation 91817 (VCV000091817.24), dbSNP rs398122779, ClinGen allele CA019852.